The following is an entry in ClinVar:

NM_031857.2(PCDHA9):c.1600C>T (p.Gln534Ter)

Genes: PCDHA9 (protocadherin alpha 9; plus strand), PCDHA@ (protocadherin alpha cluster, complex locus; plus strand), PCDHA2 (protocadherin alpha 2; plus strand), PCDHA1 (protocadherin alpha 1; plus strand), PCDHA3 (protocadherin alpha 3; plus strand) and 5 more. Cytogenetic location: 5q31.3.
Variant type: single nucleotide variant.
Coding change: c.1600C>T on transcript NM_031857.2 (MANE Select); coding-DNA position 1600, C replaced by T.
Protein change: p.Gln534Ter; replaces glutamine 534 with a stop codon.
Molecular consequence: nonsense. On other transcripts: intron variant (10).
Genome position (GRCh38, 1-based): chr5:140,850,095, C>T. VCF-style: chr5-140850095-C-T. GRCh37 (hg19) VCF-style: chr5-140229680-C-T.
Other names: c.1600C>T, p.Gln534Ter (NM_014005.5); c.2394+61411C>T (NM_018900.4); c.1602+62203C>T (NM_031411.3); c.2388+52743C>T (NM_018905.3); c.2394+46504C>T (NM_018906.3); c.2385+40523C>T (NM_018907.4); c.2352+25968C>T (NM_018908.3); c.2394+19610C>T (NM_018909.4); and 3 more; short protein forms Q534*.
Identifiers: ClinVar variation 3052713 (VCV003052713.14), dbSNP rs139719626, ClinGen allele CA3450528.
Genomic context (GRCh38, chr5:140,850,095, plus strand): 5'-AGCGGCAAGGTGTACGCGCTGCAGCCGTTGGACCACGAGGAGCTGGAGCTGCTACAGTTC[C>T]AGGTGAGCGCGCGCGACGCGGGCGTGCCGCCTCTGGGCAGCAACGTGACGCTGCAGGTGT-3'

ClinVar aggregate classification (germline): Likely benign. Review status: criteria provided, multiple submitters, no conflicts (2 of 4 stars). 3 submissions from 3 submitters: Likely benign (2). 1 of the submissions does not count toward it. Last evaluated 2024-12-01.

Conditions:
PCDHA9-related disorder. Also called: PCDHA9-related condition.

Allele frequency attached by ClinVar (database versions not stated): 1000 Genomes Project 30x 0.00187; TOPMed 0.00234.
gnomAD v4.1: 631 of 1,596,304 alleles (0.04%); highest among the groups gnomAD compares: African/African-American, 0.72%; 37 homozygotes.

Submissions (3):

CeGaT Center for Human Genetics Tuebingen
Classification: Likely benign. Last evaluated: 2024-12-01. Review status: criteria provided, single submitter. Criteria: CeGaT Center For Human Genetics Tuebingen Variant Classification Criteria Version 2. Collection method: clinical testing. Allele origin: germline. Affected: yes. Observed: 1 variant allele.
Comment: PCDHA9: BS2

Breakthrough Genomics
Classification: Likely benign. Review status: criteria provided, single submitter. Criteria: ACMG Guidelines, 2015. Collection method: not provided. Allele origin: germline. Inheritance: Unknown mechanism. Affected: yes.

PreventionGenetics, part of Exact Sciences
Classification: Likely benign for PCDHA9-related condition. Last evaluated: 2020-09-30. Review status: no assertion criteria provided. Collection method: clinical testing. Allele origin: germline. Not counted in ClinVar's aggregate classification.
Comment: This variant is classified as likely benign based on ACMG/AMP sequence variant interpretation guidelines (Richards et al. 2015 PMID: 25741868, with internal and published modifications).